The following is an entry in ClinVar:

NM_006379.5(SEMA3C):c.1297G>A (p.Ala433Thr)

Gene: SEMA3C (semaphorin 3C; minus strand). Cytogenetic location: 7q21.11.
Variant type: single nucleotide variant.
Coding change: c.1297G>A on transcript NM_006379.5 (MANE Select); coding-DNA position 1297, G replaced by A.
Protein change: p.Ala433Thr; replaces alanine 433 with threonine.
Molecular consequence: missense variant.
Genome position (GRCh38, 1-based): chr7:80,789,363, C>T on the plus strand (G>A on the coding strand, the complement: SEMA3C is on the minus strand). VCF-style: chr7-80789363-C-T. GRCh37 (hg19) VCF-style: chr7-80418679-C-T.
Other names: c.1351G>A, p.Ala451Thr (NM_001350120.2); c.1123G>A, p.Ala375Thr (NM_001350121.2); c.1351G>A (NM_001350120.1); short protein forms A433T, A451T, A375T.
Identifiers: ClinVar variation 2402013 (VCV002402013.3), dbSNP rs777040394, ClinGen allele CA4316159.

ClinVar aggregate classification (germline): Uncertain significance. Review status: criteria provided, single submitter (1 of 4 stars). 2 submissions from 2 submitters: Uncertain significance (1). 1 of the submissions does not count toward it. Last evaluated 2022-01-27.

Conditions:
SEMA3C-related disorder. Also called: SEMA3C-related condition.

Allele frequency attached by ClinVar (database versions not stated): gnomAD exomes 0.00006; gnomAD 0.00008; ExAC 0.00009; TOPMed 0.00016.
gnomAD v4.1: 104 of 1,613,916 alleles (0.0064%); highest among the groups gnomAD compares: Admixed American, 0.028%; no homozygotes.

Submissions (2):

Ambry Genetics
Classification: Uncertain significance. Last evaluated: 2022-01-27. Review status: criteria provided, single submitter. Criteria: Ambry Variant Classification Scheme 2023. Collection method: clinical testing. Allele origin: germline.

PreventionGenetics, part of Exact Sciences
Classification: Likely benign for SEMA3C-related condition. Last evaluated: 2024-06-15. Review status: no assertion criteria provided. Collection method: clinical testing. Allele origin: germline. Not counted in ClinVar's aggregate classification.
Comment: This variant is classified as likely benign based on ACMG/AMP sequence variant interpretation guidelines (Richards et al. 2015 PMID: 25741868, with internal and published modifications).